The following is an entry in ClinVar:

ClinVar aggregate classification (germline): Benign/Likely benign. Review status: criteria provided, multiple submitters, no conflicts (2 of 4 stars). 11 submissions from 6 submitters: Benign (5); Likely benign (6). Last evaluated 2026-07-01.

Conditions:
Brachyrachia (short spine dysplasia) (BCYM3). Also called: BRACHYRACHIA; Autosomal dominant brachyolmia; Brachyolmia, TRPV4-Related; Brachyolmia Type 3. Identifiers: Orphanet 93304, MedGen C0432227, MONDO:0007232, OMIM 113500.
Scapuloperoneal spinal muscular atrophy (SPSMA). Also called: Scapuloperoneal spinal muscular atrophy, autosomal dominant; Scapuloperoneal Spinal Muscular Atrophy, TRPV4-Related; AMYOTROPHY, NEUROGENIC SCAPULOPERONEAL, NEW ENGLAND TYPE; Scapuloperoneal Form of Spinal Muscular Atrophy. Identifiers: Orphanet 431255, MedGen C0751335, MONDO:0008408, OMIM 181405.
Metatropic dysplasia (MTD). Also called: METATROPIC DWARFISM; Metatropic Dysplasia, TRPV4-Related; Metatropic dysplasia, nonlethal dominant. Identifiers: Orphanet 2635, MedGen C0265281, MONDO:0007986, OMIM 156530.
Inborn genetic diseases. Identifiers: MedGen C0950123, MeSH D030342.
Charcot-Marie-Tooth disease. Also called: Charcot-Marie-Tooth Neuropathy; Charcot-Marie-Tooth Hereditary Neuropathy. Identifiers: Orphanet 166, MedGen C0007959, MONDO:0015626.
Charcot-Marie-Tooth disease axonal type 2C (HMSN2C). Also called: Charcot-Marie-Tooth Disease Type 2, TRPV4-Related (CMT2C); CHARCOT-MARIE-TOOTH DISEASE, AXONAL, AUTOSOMAL DOMINANT, TYPE 2C; Charcot-Marie-Tooth Neuropathy Type 2C. Identifiers: Orphanet 99937, MedGen C1853710, MONDO:0011633, OMIM 606071.
Spondylometaphyseal dysplasia, Kozlowski type (SMDK). Also called: Dysmorphism arthrogryposis skeletal maturation advanced; Jequier-Kozlowski syndrome; Skeletal dysplasia Jequier-Kozlowski type; SMD Kozlowski type; Spondylometaphyseal Dysplasia, TRPV4-Related (Kozlowski Type). Identifiers: Orphanet 93314, MedGen C0265280, MONDO:0008477, OMIM 184252.
Neuronopathy, distal hereditary motor, autosomal dominant 8. Also called: NEURONOPATHY, DISTAL HEREDITARY MOTOR, TYPE VIII; NEUROPATHY, DISTAL HEREDITARY MOTOR, TYPE VIII; SPINAL MUSCULAR ATROPHY, CONGENITAL BENIGN, WITH CONTRACTURES; Autosomal dominant congenital benign spinal muscular atrophy. Identifiers: Orphanet 1216, MedGen C1838492, MONDO:0010839, OMIM 600175.

Allele frequency attached by ClinVar (database versions not stated): TOPMed 0.00002; ExAC 0.00004; gnomAD exomes 0.00004 and 0.00001; 1000 Genomes Project 0.00040; 1000 Genomes Project 30x 0.00047; gnomAD 0.00001.
gnomAD v4.1: 23 of 1,614,146 alleles (0.0014%); highest among the groups gnomAD compares: East Asian, 0.025%; no homozygotes.

Submissions (11):

CeGaT Center for Human Genetics Tuebingen
Classification: Likely benign. Last evaluated: 2026-07-01. Review status: criteria provided, single submitter. Criteria: CeGaT Center For Human Genetics Tuebingen Variant Classification Criteria Version 2. Collection method: clinical testing. Allele origin: germline. Affected: yes. Observed: 1 variant allele.
Comment: TRPV4: BP4, BP7

Labcorp Genetics (formerly Invitae), Labcorp
Classification: Likely benign for Charcot-Marie-Tooth disease axonal type 2C. Last evaluated: 2025-08-25. Review status: criteria provided, single submitter. Criteria: Invitae Variant Classification Sherloc (09022015). Collection method: clinical testing. Allele origin: germline.

Ambry Genetics
Classification: Likely benign for Inborn genetic diseases. Last evaluated: 2019-07-11. Review status: criteria provided, single submitter. Criteria: Ambry Variant Classification Scheme 2023. Collection method: clinical testing. Allele origin: germline.

Illumina Laboratory Services, Illumina
Classification: Benign for Scapuloperoneal spinal muscular atrophy. Last evaluated: 2018-01-12. Review status: criteria provided, single submitter. Criteria: ICSL Variant Classification Criteria 13 December 2019. Collection method: clinical testing. Allele origin: germline.
Comment: This variant was observed in the ICSL laboratory as part of a predisposition screen in an ostensibly healthy population. It had not been previously curated by ICSL or reported in the Human Gene Mutation Database (HGMD: prior to June 1st, 2018), and was therefore a candidate for classification through an automated scoring system. Utilizing variant allele frequency, disease prevalence and penetrance estimates, and inheritance mode, an automated score was calculated to assess if this variant is too frequent to cause the disease. Based on the score and internal cut-off values, a variant classified as benign is not then subjected to further curation. The score for this variant resulted in a classification of benign for this disease.

Illumina Laboratory Services, Illumina
Classification: Benign for Metatropic dysplasia. Last evaluated: 2018-01-12. Review status: criteria provided, single submitter. Criteria: ICSL Variant Classification Criteria 13 December 2019. Collection method: clinical testing. Allele origin: germline.
Comment: the same text as in the submission from Illumina Laboratory Services, Illumina above.

Illumina Laboratory Services, Illumina
Classification: Benign for Neuronopathy, distal hereditary motor, autosomal dominant 8. Last evaluated: 2018-01-12. Review status: criteria provided, single submitter. Criteria: ICSL Variant Classification Criteria 13 December 2019. Collection method: clinical testing. Allele origin: germline.
Comment: the same text as in the submission from Illumina Laboratory Services, Illumina above.

Illumina Laboratory Services, Illumina
Classification: Likely benign for Charcot-Marie-Tooth disease axonal type 2C. Last evaluated: 2018-01-12. Review status: criteria provided, single submitter. Criteria: ICSL Variant Classification Criteria 13 December 2019. Collection method: clinical testing. Allele origin: germline.
Comment: This variant was observed in the ICSL laboratory as part of a predisposition screen in an ostensibly healthy population. It had not been previously curated by ICSL or reported in the Human Gene Mutation Database (HGMD: prior to June 1st, 2018), and was therefore a candidate for classification through an automated scoring system. Utilizing variant allele frequency, disease prevalence and penetrance estimates, and inheritance mode, an automated score was calculated to assess if this variant is too frequent to cause the disease. Based on the score and internal cut-off values, a variant classified as likely benign is not then subjected to further curation. The score for this variant resulted in a classification of likely benign for this disease.

Illumina Laboratory Services, Illumina
Classification: Benign for Brachyrachia (short spine dysplasia). Last evaluated: 2018-01-12. Review status: criteria provided, single submitter. Criteria: ICSL Variant Classification Criteria 13 December 2019. Collection method: clinical testing. Allele origin: germline.
Comment: the same text as in the submission from Illumina Laboratory Services, Illumina above.

Illumina Laboratory Services, Illumina
Classification: Benign for Spondylometaphyseal dysplasia, Kozlowski type. Last evaluated: 2018-01-12. Review status: criteria provided, single submitter. Criteria: ICSL Variant Classification Criteria 13 December 2019. Collection method: clinical testing. Allele origin: germline.
Comment: the same text as in the submission from Illumina Laboratory Services, Illumina above.

Breakthrough Genomics
Classification: Likely benign. Review status: criteria provided, single submitter. Criteria: ACMG Guidelines, 2015. Collection method: not provided. Allele origin: germline. Inheritance: Autosomal dominant inheritance. Affected: yes.

Molecular Genetics Laboratory, London Health Sciences Centre
Classification: Likely benign for Charcot-Marie-Tooth disease. Review status: criteria provided, single submitter. Criteria: ACMG Guidelines, 2015. Collection method: clinical testing. Allele origin: germline. Affected: yes.

NM_021625.5(TRPV4):c.936G>A (p.Ala312=)

Gene: TRPV4 (transient receptor potential cation channel subfamily V member 4; minus strand). Cytogenetic location: 12q24.11.
Variant type: single nucleotide variant.
Coding change: c.936G>A on transcript NM_021625.5 (MANE Select); coding-DNA position 936, G replaced by A.
Protein change: p.Ala312=; no amino-acid change (alanine 312 retained).
Molecular consequence: synonymous variant.
Genome position (GRCh38, 1-based): chr12:109,798,830, C>T on the plus strand (G>A on the coding strand, the complement: TRPV4 is on the minus strand). VCF-style: chr12-109798830-C-T. GRCh37 (hg19) VCF-style: chr12-110236635-C-T.
Other names: c.795G>A, p.Ala265= (NM_001177428.2, NM_001177433.2); c.834G>A, p.Ala278= (NM_001177431.2); c.936G>A, p.Ala312= (NM_147204.3).
Identifiers: ClinVar variation 307135 (VCV000307135.12), dbSNP rs202084699, ClinGen allele CA6780384.